The following is an entry in ClinVar:

ClinVar aggregate classification (germline): Conflicting classifications of pathogenicity. Review status: criteria provided, conflicting classifications (1 of 4 stars). 4 submissions from 4 submitters: Uncertain significance (1); Benign (1); Likely benign (2). Last evaluated 2025-11-13.

Conditions:
Hereditary cancer-predisposing syndrome. Also called: Tumor predisposition; Hereditary neoplastic syndrome; Neoplastic Syndromes, Hereditary; Hereditary Cancer Syndrome. Identifiers: Orphanet 140162, MedGen C0027672, MeSH D009386, MONDO:0015356.
Breast-ovarian cancer, familial, susceptibility to, 4. Identifiers: Orphanet 145, MedGen C3280345, MONDO:0013669, OMIM 614291.

Allele frequency attached by ClinVar (database versions not stated): gnomAD exomes below 0.00001; gnomAD 0.00001 and 0.00002; TOPMed 0.00003.
gnomAD v4.1: 7 of 1,611,774 alleles (0.00043%); highest among the groups gnomAD compares: African/African-American, 0.008%; no homozygotes.

Submissions (4):

Labcorp Genetics (formerly Invitae), Labcorp
Classification: Likely benign for Breast-ovarian cancer, familial, susceptibility to, 4. Last evaluated: 2025-11-13. Review status: criteria provided, single submitter. Criteria: Invitae Variant Classification Sherloc (09022015). Collection method: clinical testing. Allele origin: germline.

Color Diagnostics, LLC DBA Color Health
Classification: Likely benign for Hereditary cancer-predisposing syndrome. Last evaluated: 2023-09-05. Review status: criteria provided, single submitter. Criteria: ACMG Guidelines, 2015. Collection method: clinical testing. Allele origin: germline.

Sema4
Classification: Uncertain significance for Hereditary cancer-predisposing syndrome. Last evaluated: 2021-12-09. Review status: criteria provided, single submitter. Criteria: Sema4 Curation Guidelines. Collection method: curation. Allele origin: germline.
Comment: The RAD51D c.904-13C>A variant has not been reported in the literature to our knowledge. It was observed in 1/16256 chromosomes of the African/African American subpopulation in the large and broad cohorts of the Genome Aggregation Database (PMID: 32461654). The variant has not been reported in ClinVar. In silico tools suggest the variant not to have an impact on splicing, though these predictions have not been confirmed by functional studies. The evidence is insufficient to meet ACMG/AMP criteria for classifying the variant as benign or pathogenic. Thus, the clinical significance of this variant is currently uncertain.

GeneDx
Classification: Benign. Last evaluated: 2015-04-06. Review status: criteria provided, single submitter. Criteria: GeneDx Variant Classification Process June 2021. Collection method: clinical testing. Allele origin: germline. Affected: yes.

NM_002878.4(RAD51D):c.904-13C>A

Genes: RAD51D (RAD51 paralog D; minus strand), RAD51L3-RFFL (RAD51L3-RFFL readthrough; minus strand). Cytogenetic location: 17q12.
Variant type: single nucleotide variant.
Coding change: c.904-13C>A on transcript NM_002878.4 (MANE Select); 13 bases into the intron before coding-DNA position 904, C replaced by A.
Molecular consequence: intron variant.
Genome position (GRCh38, 1-based): chr17:35,101,049, G>T on the plus strand (C>A on the coding strand, the complement: RAD51D is on the minus strand). VCF-style: chr17-35101049-G-T. GRCh37 (hg19) VCF-style: chr17-33428068-G-T.
Other names: c.568-13C>A (NM_133629.3); c.964-13C>A (NM_001142571.2).
Identifiers: ClinVar variation 1279943 (VCV001279943.13), dbSNP rs964696175, ClinGen allele CA289992569.